The following is an entry in ClinVar:

ClinVar aggregate classification (germline): Uncertain significance. Review status: criteria provided, multiple submitters, no conflicts (2 of 4 stars). 4 submissions from 4 submitters: Uncertain significance (3). 1 of the submissions does not count toward it. Last evaluated 2024-10-02.

Conditions:
Duchenne muscular dystrophy (DMD). Also called: MUSCULAR DYSTROPHY, PSEUDOHYPERTROPHIC PROGRESSIVE, DUCHENNE TYPE; Duchenne Muscular Dystrophy (DMD). Identifiers: Orphanet 98896, MedGen C0013264, MONDO:0010679, OMIM 310200.
Dystrophin deficiency.
Becker muscular dystrophy (BMD). Also called: MUSCULAR DYSTROPHY, PSEUDOHYPERTROPHIC PROGRESSIVE, BECKER TYPE; Becker Muscular Dystrophy (BMD). Identifiers: Orphanet 98895, MedGen C0917713, MONDO:0010311, OMIM 300376.
Cardiomyopathy (CMYO). Also called: Cardiomyopathies. Identifiers: Orphanet 167848, MedGen C0878544, MONDO:0004994, HP:0001638. Inheritance: Various modes of inheritance.
Dilated cardiomyopathy 3B (CMD3B). Also called: CMD3B: DMD-Related Dilated Cardiomyopathy; CARDIOMYOPATHY, DILATED, X-LINKED; DMD-Associated Dilated Cardiomyopathy. Identifiers: Orphanet 154, MedGen C3668940, MONDO:0010542, OMIM 302045.

Allele frequency attached by ClinVar (database versions not stated): ExAC 0.00003; gnomAD exomes 0.00003; TOPMed 0.00003; gnomAD 0.00001 and 0.00002.
gnomAD v4.1: 10 of 1,208,817 alleles (0.00083%); highest among the groups gnomAD compares: East Asian, 0.015%; no homozygotes.

Submissions (4):

Labcorp Genetics (formerly Invitae), Labcorp
Classification: Uncertain significance for Duchenne muscular dystrophy. Last evaluated: 2024-10-02. Review status: criteria provided, single submitter. Criteria: Invitae Variant Classification Sherloc (09022015). Collection method: clinical testing. Allele origin: germline.
Comment: This sequence change replaces glutamine, which is neutral and polar, with histidine, which is basic and polar, at codon 693 of the DMD protein (p.Gln693His). This variant is present in population databases (rs761441684, gnomAD 0.04%). This variant has not been reported in the literature in individuals affected with DMD-related conditions. ClinVar contains an entry for this variant (Variation ID: 972238). Invitae Evidence Modeling of protein sequence and biophysical properties (such as structural, functional, and spatial information, amino acid conservation, physicochemical variation, residue mobility, and thermodynamic stability) indicates that this missense variant is not expected to disrupt DMD protein function with a negative predictive value of 95%. In summary, the available evidence is currently insufficient to determine the role of this variant in disease. Therefore, it has been classified as a Variant of Uncertain Significance.

Fulgent Genetics
Classification: Uncertain significance for Becker muscular dystrophy; Dilated cardiomyopathy 3B; Duchenne muscular dystrophy. Last evaluated: 2021-07-13. Review status: criteria provided, single submitter. Criteria: ACMG Guidelines, 2015. Collection method: clinical testing. Allele origin: unknown.

Revvity Omics, Revvity
Classification: Uncertain significance. Last evaluated: 2020-04-08. Review status: criteria provided, single submitter. Criteria: ACMG Guidelines, 2015. Collection method: clinical testing. Allele origin: germline.

Natera, Inc.
Classification: Uncertain significance for Becker muscular dystrophy; Cardiomyopathy; Duchenne muscular dystrophy; Dystrophin deficiency. Last evaluated: 2018-10-28. Review status: no assertion criteria provided. Collection method: clinical testing. Allele origin: germline. Not counted in ClinVar's aggregate classification.

NM_004006.3(DMD):c.2079G>T (p.Gln693His)

Gene: DMD (dystrophin; minus strand). Cytogenetic location: Xp21.1.
Variant type: single nucleotide variant.
Coding change: c.2079G>T on transcript NM_004006.3 (MANE Select); coding-DNA position 2079, G replaced by T.
Protein change: p.Gln693His; replaces glutamine 693 with histidine.
Molecular consequence: missense variant.
Genome position (GRCh38, 1-based): chrX:32,545,248, C>A on the plus strand (G>T on the coding strand, the complement: DMD is on the minus strand). VCF-style: chrX-32545248-C-A. GRCh37 (hg19) VCF-style: chrX-32563365-C-A.
Other names: c.2055G>T, p.Gln685His (NM_000109.4); c.2067G>T, p.Gln689His (NM_004009.3); c.1710G>T, p.Gln570His (NM_004010.3); short protein forms Q570H, Q685H, Q689H, Q693H.
Identifiers: ClinVar variation 972238 (VCV000972238.12), dbSNP rs761441684, ClinGen allele CA10379644.
Genomic context (GRCh38, chrX:32,545,248, plus strand): 5'-CTGCCTCTTCTTTTGGGGAGGTGGTGGTGGAAGTTCCTCTTGAGCATGCTTTACCAGGAT[C>A]TGTTCCCTTGTGGTCACCGTAGTTACTGTTTCCATTACAGTTGTCTGTGTTAGTGATGGC-3'
Protein context (NP_003997.2, residues 683-703): ETVTTVTTRE[Gln693His]ILVKHAQEEL